The following is an entry in ClinVar:

NM_020928.2(ZSWIM6):c.3532A>G (p.Thr1178Ala)

Gene: ZSWIM6 (zinc finger SWIM-type containing 6; plus strand). Cytogenetic location: 5q12.1.
Variant type: single nucleotide variant.
Coding change: c.3532A>G on transcript NM_020928.2 (MANE Select); coding-DNA position 3532, A replaced by G.
Protein change: p.Thr1178Ala; replaces threonine 1178 with alanine.
Molecular consequence: missense variant.
Genome position (GRCh38, 1-based): chr5:61,544,201, A>G. VCF-style: chr5-61544201-A-G. GRCh37 (hg19) VCF-style: chr5-60840028-A-G.
Other names: c.3532A>G (NM_020928.1); short protein forms T1178A.
Identifiers: ClinVar variation 1417067 (VCV001417067.12), dbSNP rs1203405019, ClinGen allele CA359947818.

ClinVar aggregate classification (germline): Uncertain significance. Review status: criteria provided, multiple submitters, no conflicts (2 of 4 stars). 4 submissions from 4 submitters: Uncertain significance (4). Last evaluated 2026-08-06.

Conditions:
Neurodevelopmental disorder with movement abnormalities, abnormal gait, and autistic features. Identifiers: MedGen C4693405, MONDO:0060642, OMIM 617865.
Inborn genetic diseases. Identifiers: MedGen C0950123, MeSH D030342.

Allele frequency attached by ClinVar (database versions not stated): gnomAD exomes below 0.00001 and 0.00003; TOPMed 0.00003; gnomAD 0.00004.
gnomAD v4.1: 11 of 1,551,480 alleles (0.00071%); highest among the groups gnomAD compares: Admixed American, 0.02%; no homozygotes.

Submissions (4):

OLLIN Analises Genomicas, OLLIN
Classification: Uncertain significance. Last evaluated: 2026-08-06. Review status: criteria provided, single submitter. Criteria: ACMG Guidelines 2015 PMID 25741868. Collection method: clinical testing. Allele origin: germline.
Comment: This missense variant, located in exon 14 (of 14), has been reported in ClinVar (accession VCV001417067.10) and in gnomAD with an allele frequency of 0.000709%. However, to our knowledge, it has not been reported in the scientific literature. In silico analysis is inconclusive regarding the impact of this variant. According to the currently available evidence, this variant has been classified as uncertain significance (BS2).

Dasa
Classification: Uncertain significance for Neurodevelopmental disorder with movement abnormalities, abnormal gait, and autistic features. Last evaluated: 2025-11-07. Review status: criteria provided, single submitter. Criteria: DASA Assertion Criteria. Collection method: clinical testing. Allele origin: germline.
Comment: NM_020928.2(ZSWIM6):c.3532A>G (p.Thr1178Ala) is a missense variant that results in the substitution of threonine with alanine. This variant is rare in population databases. The currently available literature and clinical evidence are not sufficient to establish a definitive association between this variant and the reported condition. Therefore, this variant is classified as a variant of uncertain significance.

Ambry Genetics
Classification: Uncertain significance for Inborn genetic diseases. Last evaluated: 2025-04-25. Review status: criteria provided, single submitter. Criteria: Ambry Variant Classification Scheme 2023. Collection method: clinical testing. Allele origin: germline.

Labcorp Genetics (formerly Invitae), Labcorp
Classification: Uncertain significance. Last evaluated: 2021-02-11. Review status: criteria provided, single submitter. Criteria: Invitae Variant Classification Sherloc (09022015). Collection method: clinical testing. Allele origin: germline.
Comment: Algorithms developed to predict the effect of missense changes on protein structure and function are either unavailable or do not agree on the potential impact of this missense change (SIFT: "Tolerated"; PolyPhen-2: "Probably Damaging"; Align-GVGD: "Class C0"). This variant has not been reported in the literature in individuals with ZSWIM6-related conditions. This variant is not present in population databases (ExAC no frequency). This sequence change replaces threonine with alanine at codon 1178 of the ZSWIM6 protein (p.Thr1178Ala). The threonine residue is moderately conserved and there is a small physicochemical difference between threonine and alanine. In summary, the available evidence is currently insufficient to determine the role of this variant in disease. Therefore, it has been classified as a Variant of Uncertain Significance.